The following is an entry in ClinVar:

ClinVar aggregate classification (germline): Uncertain significance (1 of 4 stars; one submission).

Submission:

Labcorp Genetics (formerly Invitae), Labcorp
Classification: Uncertain significance. Last evaluated: 2024-07-15. Review status: criteria provided, single submitter. Criteria: Invitae Variant Classification Sherloc (09022015). Collection method: clinical testing. Allele origin: germline.
Comment: This sequence change replaces glutamine, which is neutral and polar, with histidine, which is basic and polar, at codon 847 of the HYOU1 protein (p.Gln847His). This variant is not present in population databases (gnomAD no frequency). This variant has not been reported in the literature in individuals affected with HYOU1-related conditions. An algorithm developed to predict the effect of missense changes on protein structure and function (PolyPhen-2) suggests that this variant is likely to be disruptive. In summary, the available evidence is currently insufficient to determine the role of this variant in disease. Therefore, it has been classified as a Variant of Uncertain Significance.

NM_006389.5(HYOU1):c.2541G>T (p.Gln847His)

Gene: HYOU1 (hypoxia up-regulated 1; minus strand). Cytogenetic location: 11q23.3.
Variant type: single nucleotide variant.
Coding change: c.2541G>T on transcript NM_006389.5 (MANE Select); coding-DNA position 2541, G replaced by T.
Protein change: p.Gln847His; replaces glutamine 847 with histidine.
Molecular consequence: missense variant.
Genome position (GRCh38, 1-based): chr11:119,047,788, C>A on the plus strand (G>T on the coding strand, the complement: HYOU1 is on the minus strand). VCF-style: chr11-119047788-C-A. GRCh37 (hg19) VCF-style: chr11-118918500-C-A.
Other names: c.2541G>T, p.Gln847His (NM_001130991.3, NM_001411041.1); short protein forms Q847H.
Identifiers: ClinVar variation 3682689 (VCV003682689.2).